The following is an entry in ClinVar:

NM_000051.4(ATM):c.994T>G (p.Tyr332Asp)

Gene: ATM (ATM serine/threonine kinase; plus strand). Cytogenetic location: 11q22.3.
Variant type: single nucleotide variant.
Coding change: c.994T>G on transcript NM_000051.4 (MANE Select); coding-DNA position 994, T replaced by G.
Protein change: p.Tyr332Asp; replaces tyrosine 332 with aspartic acid.
Molecular consequence: missense variant.
Genome position (GRCh38, 1-based): chr11:108,247,056, T>G. VCF-style: chr11-108247056-T-G. GRCh37 (hg19) VCF-style: chr11-108117783-T-G.
Other names: c.994T>G, p.Tyr332Asp (NM_001351834.2); short protein forms Y332D.
Identifiers: ClinVar variation 1768709 (VCV001768709.4), dbSNP rs2135267591, ClinGen allele CA382531302.
Genomic context (GRCh38, chr11:108,247,056, plus strand): 5'-TTATACAACTTATATGATCTGCTAGTGAATGAGATAAGTCATATAGGAAGTAGAGGAAAG[T>G]ATTCTTCAGGATTTCGTAATATTGCCGTCAAAGAAAATTTGATTGAATTGATGGCAGATA-3'
Protein context (NP_000042.3, residues 322-342): EISHIGSRGK[Tyr332Asp]SSGFRNIAVK

ClinVar aggregate classification (germline): Uncertain significance. Review status: criteria provided, multiple submitters, no conflicts (2 of 4 stars). 2 submissions from 2 submitters: Uncertain significance (2). Last evaluated 2024-02-10.

Conditions:
Ataxia-telangiectasia syndrome (AT). Also called: LOUIS-BAR SYNDROME; Cerebello-oculocutaneous telangiectasia; Immunodeficiency with ataxia telangiectasia; Ataxia-telangiectasia, complementation group D; AT, COMPLEMENTATION GROUP C; ATAXIA-TELANGIECTASIA, COMPLEMENTATION GROUP A. Identifiers: Orphanet 100, MedGen C0004135, MONDO:0008840, OMIM 208900.
Hereditary cancer-predisposing syndrome. Also called: Tumor predisposition; Neoplastic Syndromes, Hereditary; Hereditary Cancer Syndrome; Hereditary neoplastic syndrome. Identifiers: Orphanet 140162, MedGen C0027672, MeSH D009386, MONDO:0015356.

Submissions (2):

Labcorp Genetics (formerly Invitae), Labcorp
Classification: Uncertain significance for Ataxia-telangiectasia syndrome. Last evaluated: 2024-02-10. Review status: criteria provided, single submitter. Criteria: Invitae Variant Classification Sherloc (09022015). Collection method: clinical testing. Allele origin: germline.
Comment: This sequence change replaces tyrosine, which is neutral and polar, with aspartic acid, which is acidic and polar, at codon 332 of the ATM protein (p.Tyr332Asp). This variant is not present in population databases (gnomAD no frequency). This variant has not been reported in the literature in individuals affected with ATM-related conditions. ClinVar contains an entry for this variant (Variation ID: 1768709). An algorithm developed to predict the effect of missense changes on protein structure and function (PolyPhen-2) suggests that this variant is likely to be disruptive. In summary, the available evidence is currently insufficient to determine the role of this variant in disease. Therefore, it has been classified as a Variant of Uncertain Significance.

Ambry Genetics
Classification: Uncertain significance for Hereditary cancer-predisposing syndrome. Last evaluated: 2021-10-05. Review status: criteria provided, single submitter. Criteria: Ambry Variant Classification Scheme 2023. Collection method: clinical testing. Allele origin: germline.
Comment: The p.Y332D variant (also known as c.994T>G), located in coding exon 7 of the ATM gene, results from a T to G substitution at nucleotide position 994. The tyrosine at codon 332 is replaced by aspartic acid, an amino acid with highly dissimilar properties. This amino acid position is conserved. In addition, the in silico prediction for this alteration is inconclusive. Since supporting evidence is limited at this time, the clinical significance of this alteration remains unclear.